The following is an entry in ClinVar:

NM_000132.4(F8):c.1727A>T (p.Glu576Val)

Gene: F8 (coagulation factor VIII; minus strand). Cytogenetic location: Xq28.
Variant type: single nucleotide variant.
Coding change: c.1727A>T on transcript NM_000132.4 (MANE Select); coding-DNA position 1727, A replaced by T.
Protein change: p.Glu576Val; replaces glutamic acid 576 with valine.
Molecular consequence: missense variant.
Genome position (GRCh38, 1-based): chrX:154,956,982, T>A on the plus strand (A>T on the coding strand, the complement: F8 is on the minus strand). VCF-style: chrX-154956982-T-A. GRCh37 (hg19) VCF-style: chrX-154185257-T-A.
Other names: short protein forms E576V.
Identifiers: ClinVar variation 2585117 (VCV002585117.1), dbSNP rs2523942153, ClinGen allele CA414911654.

ClinVar aggregate classification (germline): Uncertain significance (1 of 4 stars; one submission).

Conditions:
Hereditary factor VIII deficiency disease (HEMA). Also called: HEMOPHILIA, CLASSIC; AUTOSOMAL HEMOPHILIA A; Hemophilia A; Hemophilia A, congenital; HEM A; Factor 8 deficiency, congenital. Identifiers: Orphanet 98878, MedGen C0019069, MONDO:0010602, OMIM 306700.

Submission:

Neuberg Centre For Genomic Medicine, NCGM
Classification: Uncertain significance for Hereditary factor VIII deficiency disease. Review status: criteria provided, single submitter. Criteria: ACMG Guidelines, 2015. Collection method: clinical testing. Allele origin: germline. Inheritance: X-linked inheritance. Affected: yes.
Comment: The missense variant c.1727A>T (p.Glu576Val) in F8 gene has not been reported previously as a pathogenic variant nor as a benign variant, to our knowledge. The variant is novel (not in any individuals) in gnomAD Exomes and 1000 Genomes. The amino acid Glutamic acid at position 576 is changed to a Valine changing protein sequence and it might alter its composition and physico-chemical properties. The variant is predicted to be damaging by SIFT. The residue is predicted as conserved by GERP++ and PhyloP across 100 vertebrates. For these reasons, this variant has been classified as Uncertain Significance.